The following is an entry in ClinVar:

NM_002734.5(PRKAR1A):c.196C>A (p.Gln66Lys)

Gene: PRKAR1A (protein kinase cAMP-dependent type I regulatory subunit alpha; plus strand). Cytogenetic location: 17q24.2.
Variant type: single nucleotide variant.
Coding change: c.196C>A on transcript NM_002734.5 (MANE Select); coding-DNA position 196, C replaced by A.
Protein change: p.Gln66Lys; replaces glutamine 66 with lysine.
Molecular consequence: missense variant.
Genome position (GRCh38, 1-based): chr17:68,522,774, C>A. VCF-style: chr17-68522774-C-A. GRCh37 (hg19) VCF-style: chr17-66518915-C-A.
Other names: c.196C>A, p.Gln66Lys (NM_001276289.2, NM_001276290.1, NM_001278433.2 and 4 more transcripts); c.196C>A (NM_002734.3); short protein forms Q66K.
Identifiers: ClinVar variation 663233 (VCV000663233.9), dbSNP rs1600478559, ClinGen allele CA400752196.

ClinVar aggregate classification (germline): Uncertain significance. Review status: criteria provided, multiple submitters, no conflicts (2 of 4 stars). 2 submissions from 2 submitters: Uncertain significance (2). Last evaluated 2025-02-01.

Conditions:
Carney complex, type 1 (CNC1). Also called: CARNEY MYXOMA-ENDOCRINE COMPLEX; CARNEY COMPLEX, TYPE I. Identifiers: Orphanet 1359, MedGen C2607929, MONDO:0008057, OMIM 160980.
Hereditary cancer-predisposing syndrome. Also called: Neoplastic Syndromes, Hereditary; Tumor predisposition; Hereditary neoplastic syndrome; Hereditary Cancer Syndrome. Identifiers: Orphanet 140162, MedGen C0027672, MeSH D009386, MONDO:0015356.

Submissions (2):

Ambry Genetics
Classification: Uncertain significance for Hereditary cancer-predisposing syndrome. Last evaluated: 2025-02-01. Review status: criteria provided, single submitter. Criteria: Ambry Variant Classification Scheme 2023. Collection method: clinical testing. Allele origin: germline.
Comment: The p.Q66K variant (also known as c.196C>A), located in coding exon 2 of the PRKAR1A gene, results from a C to A substitution at nucleotide position 196. The glutamine at codon 66 is replaced by lysine, an amino acid with similar properties. This amino acid position is conserved. In addition, the in silico prediction for this alteration is inconclusive. Based on the available evidence, the clinical significance of this variant remains unclear.

Labcorp Genetics (formerly Invitae), Labcorp
Classification: Uncertain significance for Carney complex, type 1. Last evaluated: 2024-04-08. Review status: criteria provided, single submitter. Criteria: Invitae Variant Classification Sherloc (09022015). Collection method: clinical testing. Allele origin: germline.
Comment: This sequence change replaces glutamine, which is neutral and polar, with lysine, which is basic and polar, at codon 66 of the PRKAR1A protein (p.Gln66Lys). This variant is not present in population databases (gnomAD no frequency). This variant has not been reported in the literature in individuals affected with PRKAR1A-related conditions. ClinVar contains an entry for this variant (Variation ID: 663233). An algorithm developed to predict the effect of missense changes on protein structure and function (PolyPhen-2) suggests that this variant is likely to be tolerated. In summary, the available evidence is currently insufficient to determine the role of this variant in disease. Therefore, it has been classified as a Variant of Uncertain Significance.